The following is an entry in ClinVar:

NM_000545.8(HNF1A):c.1766_1767del (p.Thr589fs)

Gene: HNF1A (HNF1 homeobox A; plus strand). Cytogenetic location: 12q24.31.
Variant type: Microsatellite.
Coding change: c.1766_1767del on transcript NM_000545.8 (MANE Select); coding-DNA positions 1766 to 1767, 2 bases deleted (CA; older notation c.1766_1767delCA).
Protein change: p.Thr589fs; shifts the reading frame from threonine 589.
Molecular consequence: frameshift variant.
Genome position (GRCh38, 1-based): chr12:120,999,625-120,999,626, CA deleted; deleting any 2 consecutive bases within chr12:120,999,623-120,999,626 gives the same sequence; the c. name uses the placement nearest the transcript's 3' end. VCF-style (leftmost placement, unchanged base first): chr12-120999622-CCA-C. GRCh37 (hg19) VCF-style: chr12-121437425-CCA-C.
Other names: c.1787_1788del, p.Thr596fs (NM_001306179.2); c.1574_1575del, p.Thr525fs (NM_001406915.1); short protein forms T525fs, T589fs, T596fs.
Identifiers: ClinVar variation 2635466 (VCV002635466.2), dbSNP rs2500010485, ClinGen allele CA658820923.

ClinVar aggregate classification (germline): Pathogenic. Review status: criteria provided, multiple submitters, no conflicts (2 of 4 stars). 2 submissions from 2 submitters: Pathogenic (2). Last evaluated 2023-04-04.

Conditions:
HNF1A-related disorders.
HNF1A-related disorder. Also called: HNF1A-related condition.

Submissions (2):

Blueprint Genetics
Classification: Pathogenic for HNF1A-related disorders. Last evaluated: 2023-04-04. Review status: criteria provided, single submitter. Criteria: ACMG Guidelines, 2015. Collection method: clinical testing. Allele origin: germline. Affected: yes. Observed: 3 variant alleles.

PreventionGenetics, part of Exact Sciences
Classification: Pathogenic for HNF1A-related condition. Last evaluated: 2022-12-06. Review status: criteria provided, single submitter. Criteria: ACMG Guidelines, 2015. Collection method: clinical testing. Allele origin: germline.
Comment: The HNF1A c.1766_1767delCA variant is predicted to result in a frameshift and premature protein termination (p.Thr589Serfs*59). This variant, reported as P588fs-delAC, was reported in an individual with MODY3 (Awa et al 2011. PubMed ID: 21224407). This variant has not been reported in a large population database, indicating this variant is rare. Frameshift variants in HNF1A are expected to be pathogenic. This variant is interpreted as pathogenic.